The following is an entry in ClinVar:

NM_138638.5(CFL2):c.*40A>G

Gene: CFL2 (cofilin 2; minus strand). Cytogenetic location: 14q13.1.
Variant type: single nucleotide variant.
Coding change: c.*40A>G on transcript NM_138638.5 (MANE Select); 40 bases downstream of the stop codon, A replaced by G.
Molecular consequence: 3 prime UTR variant. On other transcripts: non-coding transcript variant (2).
Genome position (GRCh38, 1-based): chr14:34,712,825, T>C on the plus strand (A>G on the coding strand, the complement: CFL2 is on the minus strand). VCF-style: chr14-34712825-T-C. GRCh37 (hg19) VCF-style: chr14-35182031-T-C.
Other names: c.*40A>G (NM_001243645.2, NM_021914.8).
Identifiers: ClinVar variation 882971 (VCV000882971.4), dbSNP rs74043541, ClinGen allele CA7152243.

ClinVar aggregate classification (germline): Likely benign (1 of 4 stars; one submission).

Conditions:
Nemaline myopathy 7 (NEM7). Also called: Nemaline myopathy 7, autosomal recessive. Identifiers: Orphanet 171436, MedGen C1853154, MONDO:0012538, OMIM 610687.

Allele frequency attached by ClinVar (database versions not stated): gnomAD exomes 0.00029 and 0.00065; ExAC 0.00098; 1000 Genomes Project 0.00200; 1000 Genomes Project 30x 0.00203; gnomAD 0.00233 and 0.00258; TOPMed 0.00294; ESP Exome Variant Server 0.00300.
gnomAD v4.1: 641 of 1,108,662 alleles (0.058%); highest among the groups gnomAD compares: African/African-American, 0.89%; 2 homozygotes.

Submission:

Illumina Laboratory Services, Illumina
Classification: Likely benign for Nemaline myopathy 7. Last evaluated: 2018-01-13. Review status: criteria provided, single submitter. Criteria: ICSL Variant Classification Criteria 13 December 2019. Collection method: clinical testing. Allele origin: germline.
Comment: This variant was observed in the ICSL laboratory as part of a predisposition screen in an ostensibly healthy population. It had not been previously curated by ICSL or reported in the Human Gene Mutation Database (HGMD: prior to June 1st, 2018), and was therefore a candidate for classification through an automated scoring system. Utilizing variant allele frequency, disease prevalence and penetrance estimates, and inheritance mode, an automated score was calculated to assess if this variant is too frequent to cause the disease. Based on the score and internal cut-off values, a variant classified as likely benign is not then subjected to further curation. The score for this variant resulted in a classification of likely benign for this disease.